The following is an entry in ClinVar:

NM_001164508.2(NEB):c.11654T>A (p.Ile3885Asn)

Gene: NEB (nebulin; minus strand). Cytogenetic location: 2q23.3.
Variant type: single nucleotide variant.
Coding change: c.11654T>A on transcript NM_001164508.2 (MANE Select); coding-DNA position 11654, T replaced by A.
Protein change: p.Ile3885Asn; replaces isoleucine 3885 with asparagine.
Molecular consequence: missense variant.
Genome position (GRCh38, 1-based): chr2:151,612,337, A>T on the plus strand (T>A on the coding strand, the complement: NEB is on the minus strand). VCF-style: chr2-151612337-A-T. GRCh37 (hg19) VCF-style: chr2-152468851-A-T.
Other names: c.11654T>A, p.Ile3885Asn (NM_001164507.2, NM_001271208.2); c.10925T>A, p.Ile3642Asn (NM_004543.5); short protein forms I3642N, I3885N.
Identifiers: ClinVar variation 657528 (VCV000657528.8), dbSNP rs1367960856, ClinGen allele CA348780549.

ClinVar aggregate classification (germline): Uncertain significance. Review status: criteria provided, single submitter (1 of 4 stars). 2 submissions from 2 submitters: Uncertain significance (1). 1 of the submissions does not count toward it. Last evaluated 2021-08-27.

Conditions:
Nemaline myopathy 2 (NEM2). Also called: Nemaline myopathy 2, autosomal recessive. Identifiers: MedGen C1850569, MONDO:0009725, OMIM 256030.

gnomAD v4.1: 2 of 1,613,864 alleles (0.00012%); no homozygotes.

Submissions (2):

Labcorp Genetics (formerly Invitae), Labcorp
Classification: Uncertain significance for Nemaline myopathy 2. Last evaluated: 2021-08-27. Review status: criteria provided, single submitter. Criteria: Invitae Variant Classification Sherloc (09022015). Collection method: clinical testing. Allele origin: germline.
Comment: This sequence change replaces isoleucine with asparagine at codon 3885 of the NEB protein (p.Ile3885Asn). The isoleucine residue is moderately conserved and there is a large physicochemical difference between isoleucine and asparagine. This variant is not present in population databases (ExAC no frequency). This variant has not been reported in the literature in individuals affected with NEB-related conditions. Algorithms developed to predict the effect of missense changes on protein structure and function are either unavailable or do not agree on the potential impact of this missense change (SIFT: "Deleterious"; PolyPhen-2: "Not Available"; Align-GVGD: "Class C0"). In summary, the available evidence is currently insufficient to determine the role of this variant in disease. Therefore, it has been classified as a Variant of Uncertain Significance.

Natera, Inc.
Classification: Uncertain significance for Nemaline myopathy type 2. Last evaluated: 2021-03-29. Review status: no assertion criteria provided. Collection method: clinical testing. Allele origin: germline. Not counted in ClinVar's aggregate classification.